The following is an entry in ClinVar:

ClinVar aggregate classification (germline): Uncertain significance. Review status: criteria provided, multiple submitters, no conflicts (2 of 4 stars). 3 submissions from 3 submitters: Uncertain significance (3). Last evaluated 2024-12-19.

Conditions:
Cardiomyopathy (CMYO). Also called: Cardiomyopathies. Identifiers: Orphanet 167848, MedGen C0878544, MONDO:0004994, HP:0001638. Inheritance: Various modes of inheritance.
Hypertrophic cardiomyopathy. Also called: HYPERTROPHIC MYOCARDIOPATHY. Identifiers: Orphanet 217569, MedGen C0007194, MeSH D002312, MONDO:0005045, HP:0001639.

Allele frequency attached by ClinVar (database versions not stated): gnomAD exomes below 0.00001; TOPMed below 0.00001; ExAC 0.00001.
gnomAD v4.1: 7 of 1,611,480 alleles (0.00043%); highest among the groups gnomAD compares: Non-Finnish European, 0.00051%; no homozygotes.

Submissions (3):

Labcorp Genetics (formerly Invitae), Labcorp
Classification: Uncertain significance for Hypertrophic cardiomyopathy. Last evaluated: 2024-12-19. Review status: criteria provided, single submitter. Criteria: Invitae Variant Classification Sherloc (09022015). Collection method: clinical testing. Allele origin: germline.
Comment: This sequence change replaces asparagine, which is neutral and polar, with aspartic acid, which is acidic and polar, at codon 1023 of the MYBPC3 protein (p.Asn1023Asp). This variant is present in population databases (rs775530483, gnomAD 0.0009%). This missense change has been observed in individual(s) with MYBPC3-related conditions (PMID: 31983221). ClinVar contains an entry for this variant (Variation ID: 3071652). An algorithm developed to predict the effect of missense changes on protein structure and function (PolyPhen-2) suggests that this variant is likely to be disruptive. In summary, the available evidence is currently insufficient to determine the role of this variant in disease. Therefore, it has been classified as a Variant of Uncertain Significance.

Color Diagnostics, LLC DBA Color Health
Classification: Uncertain significance for Cardiomyopathy. Last evaluated: 2024-10-29. Review status: criteria provided, single submitter. Criteria: ACMG Guidelines, 2015. Collection method: clinical testing. Allele origin: germline.
Comment: This missense variant replaces asparagine with aspartic acid at codon 1023 of the MYBPC3 protein. Computational prediction tool is inconclusive regarding the impact of this variant on protein structure and function. To our knowledge, functional studies have not been reported for this variant. This variant has been reported in an individual affected with dilated cardiomyopathy (PMID: 31983221). This variant has been identified in 1/246974 chromosomes in the general population by the Genome Aggregation Database (gnomAD). The available evidence is insufficient to determine the role of this variant in disease conclusively. Therefore, this variant is classified as a Variant of Uncertain Significance.

All of Us Research Program, National Institutes of Health
Classification: Uncertain significance for Hypertrophic cardiomyopathy. Last evaluated: 2023-06-08. Review status: criteria provided, single submitter. Criteria: ACMG Guidelines, 2015. Collection method: clinical testing. Allele origin: germline. Inheritance: Autosomal dominant inheritance. Observed: 1 variant allele, 1 heterozygote.
Comment: This missense variant replaces asparagine with aspartic acid at codon 1023 of the MYBPC3 protein. Computational prediction suggests that this variant may not impact protein structure and function (internally defined REVEL score threshold <= 0.5, PMID: 27666373). To our knowledge, functional studies have not been reported for this variant. This variant has been reported in an individual affected with dilated cardiomyopathy (PMID: 31983221). This variant has been identified in 1/246974 chromosomes in the general population by the Genome Aggregation Database (gnomAD). The available evidence is insufficient to determine the role of this variant in disease conclusively. Therefore, this variant is classified as a Variant of Uncertain Significance.

This study involves interpretation of variants in research participants for the purpose of population health screening. Participant phenotype was not available at the time of variant classification. Additional details can be found in publication PMID: 35346344, PMCID: PMC8962531

Literature cited by the submitters: PubMed 31983221 (cited by 3 submitters).

NM_000256.3(MYBPC3):c.3067A>G (p.Asn1023Asp)

Gene: MYBPC3 (myosin binding protein C3; minus strand). Cytogenetic location: 11p11.2.
Variant type: single nucleotide variant.
Coding change: c.3067A>G on transcript NM_000256.3 (MANE Select); coding-DNA position 3067, A replaced by G.
Protein change: p.Asn1023Asp; replaces asparagine 1023 with aspartic acid.
Molecular consequence: missense variant.
Genome position (GRCh38, 1-based): chr11:47,333,680, T>C on the plus strand (A>G on the coding strand, the complement: MYBPC3 is on the minus strand). VCF-style: chr11-47333680-T-C. GRCh37 (hg19) VCF-style: chr11-47355231-T-C.
Other names: short protein forms N1023D.
Identifiers: ClinVar variation 3071652 (VCV003071652.4), dbSNP rs775530483, ClinGen allele CA079109.